The following is an entry in ClinVar:

ClinVar aggregate classification (germline): Uncertain significance. Review status: criteria provided, multiple submitters, no conflicts (2 of 4 stars). 2 submissions from 2 submitters: Uncertain significance (2). Last evaluated 2022-06-29.

Conditions:
Inborn genetic diseases. Identifiers: MedGen C0950123, MeSH D030342.

Allele frequency attached by ClinVar (database versions not stated): gnomAD 0.00001; TOPMed 0.00002; gnomAD exomes 0.00003; ExAC 0.00007.
gnomAD v4.1: 18 of 1,614,006 alleles (0.0011%); highest among the groups gnomAD compares: Admixed American, 0.028%; no homozygotes.

Submissions (2):

Ambry Genetics
Classification: Uncertain significance for Inborn genetic diseases. Last evaluated: 2022-06-29. Review status: criteria provided, single submitter. Criteria: Ambry Variant Classification Scheme 2023. Collection method: clinical testing. Allele origin: germline.

Labcorp Genetics (formerly Invitae), Labcorp
Classification: Uncertain significance. Last evaluated: 2022-06-21. Review status: criteria provided, single submitter. Criteria: Invitae Variant Classification Sherloc (09022015). Collection method: clinical testing. Allele origin: germline.
Comment: This sequence change replaces arginine, which is basic and polar, with glycine, which is neutral and non-polar, at codon 1198 of the LCT protein (p.Arg1198Gly). This variant is present in population databases (rs761943821, gnomAD 0.04%). This variant has not been reported in the literature in individuals affected with LCT-related conditions. Algorithms developed to predict the effect of missense changes on protein structure and function are either unavailable or do not agree on the potential impact of this missense change (SIFT: "Not Available"; PolyPhen-2: "Benign"; Align-GVGD: "Not Available"). In summary, the available evidence is currently insufficient to determine the role of this variant in disease. Therefore, it has been classified as a Variant of Uncertain Significance.

NM_002299.4(LCT):c.3592A>G (p.Arg1198Gly)

Gene: LCT (lactase; minus strand). Cytogenetic location: 2q21.3.
Variant type: single nucleotide variant.
Coding change: c.3592A>G on transcript NM_002299.4 (MANE Select); coding-DNA position 3592, A replaced by G.
Protein change: p.Arg1198Gly; replaces arginine 1198 with glycine.
Molecular consequence: missense variant.
Genome position (GRCh38, 1-based): chr2:135,808,755, T>C on the plus strand (A>G on the coding strand, the complement: LCT is on the minus strand). VCF-style: chr2-135808755-T-C. GRCh37 (hg19) VCF-style: chr2-136566325-T-C.
Other names: short protein forms R1198G.
Identifiers: ClinVar variation 1960677 (VCV001960677.3), dbSNP rs761943821, ClinGen allele CA1888039.